The following is an entry in ClinVar:

NM_000492.4(CFTR):c.949G>A (p.Val317Met)

Gene: CFTR (CF transmembrane conductance regulator; plus strand). Cytogenetic location: 7q31.2.
Variant type: single nucleotide variant.
Coding change: c.949G>A on transcript NM_000492.4 (MANE Select); coding-DNA position 949, G replaced by A.
Protein change: p.Val317Met; replaces valine 317 with methionine.
Molecular consequence: missense variant.
Genome position (GRCh38, 1-based): chr7:117,540,179, G>A. VCF-style: chr7-117540179-G-A. GRCh37 (hg19) VCF-style: chr7-117180233-G-A.
Other names: short protein forms V317M.
Identifiers: ClinVar variation 1767143 (VCV001767143.2), dbSNP rs2485026627, ClinGen allele CA368978429.

ClinVar aggregate classification (germline): Uncertain significance (1 of 4 stars; one submission).

Conditions:
Cystic fibrosis (CF). Also called: MUCOVISCIDOSIS. Identifiers: Orphanet 586, MedGen C0010674, MONDO:0009061, OMIM 219700. Disease mechanism: loss of function.

Allele frequency attached by ClinVar (database versions not stated): gnomAD exomes below 0.00001.
gnomAD v4.1: 1 of 1,614,008 alleles (0.000062%); highest among the groups gnomAD compares: Non-Finnish European, 0.000085%; no homozygotes.

Submission:

Ambry Genetics
Classification: Uncertain significance for Cystic fibrosis. Last evaluated: 2018-11-27. Review status: criteria provided, single submitter. Criteria: Ambry Variant Classification Scheme 2023. Collection method: clinical testing. Allele origin: germline.
Comment: The p.V317M variant (also known as c.949G>A), located in coding exon 8 of the CFTR gene, results from a G to A substitution at nucleotide position 949. The valine at codon 317 is replaced by methionine, an amino acid with highly similar properties. This amino acid position is highly conserved in available vertebrate species. In addition, this alteration is predicted to be deleterious by in silico analysis. Since supporting evidence is limited at this time, the clinical significance of this alteration remains unclear.